The following is an entry in ClinVar:

NM_000138.5(FBN1):c.3107C>T (p.Pro1036Leu)

Gene: FBN1 (fibrillin 1; minus strand). Cytogenetic location: 15q21.1.
Variant type: single nucleotide variant.
Coding change: c.3107C>T on transcript NM_000138.5 (MANE Select); coding-DNA position 3107, C replaced by T.
Protein change: p.Pro1036Leu; replaces proline 1036 with leucine.
Molecular consequence: missense variant.
Genome position (GRCh38, 1-based): chr15:48,488,469, G>A on the plus strand (C>T on the coding strand, the complement: FBN1 is on the minus strand). VCF-style: chr15-48488469-G-A. GRCh37 (hg19) VCF-style: chr15-48780666-G-A.
Other names: c.3107C>T, p.Pro1036Leu (NM_001406716.1); short protein forms P1036L.
Identifiers: ClinVar variation 2935530 (VCV002935530.3), dbSNP rs2043529137, ClinGen allele CA392328188.

ClinVar aggregate classification (germline): Uncertain significance (1 of 4 stars; one submission).

Conditions:
Marfan syndrome (MFS). Also called: MARFAN SYNDROME, TYPE I; Marfan syndrome type 1; Marfan's syndrome; Marfan syndrome, classic; FBN1-Related Marfan Syndrome. Identifiers: Orphanet 284963, Orphanet 558, MedGen C0024796, MONDO:0007947, OMIM 154700.
Familial thoracic aortic aneurysm and aortic dissection (TAAD). Also called: Thoracic aortic aneurysms and dissections. Identifiers: Orphanet 91387, MedGen C4707243, MONDO:0019625.

Submission:

Labcorp Genetics (formerly Invitae), Labcorp
Classification: Uncertain significance for Marfan syndrome; Familial thoracic aortic aneurysm and aortic dissection. Last evaluated: 2023-06-10. Review status: criteria provided, single submitter. Criteria: Invitae Variant Classification Sherloc (09022015). Collection method: clinical testing. Allele origin: germline.
Comment: In summary, the available evidence is currently insufficient to determine the role of this variant in disease. Therefore, it has been classified as a Variant of Uncertain Significance. Advanced modeling of protein sequence and biophysical properties (such as structural, functional, and spatial information, amino acid conservation, physicochemical variation, residue mobility, and thermodynamic stability) performed at Invitae indicates that this missense variant is expected to disrupt FBN1 protein function. This variant has not been reported in the literature in individuals affected with FBN1-related conditions. This variant is not present in population databases (gnomAD no frequency). This sequence change replaces proline, which is neutral and non-polar, with leucine, which is neutral and non-polar, at codon 1036 of the FBN1 protein (p.Pro1036Leu).